The following is an entry in ClinVar:

ClinVar aggregate classification (germline): Benign/Likely benign. Review status: criteria provided, multiple submitters, no conflicts (2 of 4 stars). 2 submissions from 2 submitters: Benign (1); Likely benign (1). Last evaluated 2026-01-03.

Conditions:
Atypical hemolytic-uremic syndrome with thrombomodulin anomaly. Also called: HEMOLYTIC UREMIC SYNDROME, ATYPICAL, SUSCEPTIBILITY TO, 6; AHUS, SUSCEPTIBILITY TO, 6. Identifiers: MedGen C2752036, MONDO:0013044, OMIM 612926. Disease mechanism: gain of function.

Allele frequency attached by ClinVar (database versions not stated): TOPMed 0.00003; ExAC 0.00025; ESP Exome Variant Server 0.00009.

Submissions (2):

Labcorp Genetics (formerly Invitae), Labcorp
Classification: Likely benign. Last evaluated: 2026-01-03. Review status: criteria provided, single submitter. Criteria: Invitae Variant Classification Sherloc (09022015). Collection method: clinical testing. Allele origin: germline.

Illumina Laboratory Services, Illumina
Classification: Benign for Atypical hemolytic-uremic syndrome with thrombomodulin anomaly. Last evaluated: 2018-01-12. Review status: criteria provided, single submitter. Criteria: ICSL Variant Classification Criteria 13 December 2019. Collection method: clinical testing. Allele origin: germline.
Comment: This variant was observed in the ICSL laboratory as part of a predisposition screen in an ostensibly healthy population. It had not been previously curated by ICSL or reported in the Human Gene Mutation Database (HGMD: prior to June 1st, 2018), and was therefore a candidate for classification through an automated scoring system. Utilizing variant allele frequency, disease prevalence and penetrance estimates, and inheritance mode, an automated score was calculated to assess if this variant is too frequent to cause the disease. Based on the score and internal cut-off values, a variant classified as benign is not then subjected to further curation. The score for this variant resulted in a classification of benign for this disease.

NM_000361.3(THBD):c.15G>T (p.Leu5=)

Gene: THBD (thrombomodulin; minus strand). Cytogenetic location: 20p11.21.
Variant type: single nucleotide variant.
Coding change: c.15G>T on transcript NM_000361.3 (MANE Select); coding-DNA position 15, G replaced by T.
Protein change: p.Leu5=; no amino-acid change (leucine 5 retained).
Molecular consequence: synonymous variant.
Genome position (GRCh38, 1-based): chr20:23,049,490, C>A on the plus strand (G>T on the coding strand, the complement: THBD is on the minus strand). VCF-style: chr20-23049490-C-A. GRCh37 (hg19) VCF-style: chr20-23030127-C-A.
Identifiers: ClinVar variation 898303 (VCV000898303.7), dbSNP rs376209282, ClinGen allele CA9787813.